The following is an entry in ClinVar:

NM_001999.4(FBN2):c.52T>A (p.Cys18Ser)

Gene: FBN2 (fibrillin 2; minus strand). Cytogenetic location: 5q23.3.
Variant type: single nucleotide variant.
Coding change: c.52T>A on transcript NM_001999.4 (MANE Select); coding-DNA position 52, T replaced by A.
Protein change: p.Cys18Ser; replaces cysteine 18 with serine.
Molecular consequence: missense variant.
Genome position (GRCh38, 1-based): chr5:128,537,552, A>T on the plus strand (T>A on the coding strand, the complement: FBN2 is on the minus strand). VCF-style: chr5-128537552-A-T. GRCh37 (hg19) VCF-style: chr5-127873245-A-T.
Other names: c.52T>A (NM_001999.3); short protein forms C18S.
Identifiers: ClinVar variation 1428510 (VCV001428510.12), dbSNP rs1033004512, ClinGen allele CA127059272.
Genomic context (GRCh38, chr5:128,537,552, plus strand): 5'-GCGGCTTGGGCGGAGGAGGCTGAGGCTGGCCGGCCGTGCCCTGCGCCCAGAGCACCACAC[A>T]GCCCAGCCACAGGAAGTAGAGCTGGAGACACAGCCTCCGTCTTCTCCCCATCGCCGGCGC-3'
Protein context (NP_001990.2, residues 8-28): CLQLYFLWLG[Cys18Ser]VVLWAQGTAG

ClinVar aggregate classification (germline): Uncertain significance. Review status: criteria provided, multiple submitters, no conflicts (2 of 4 stars). 3 submissions from 3 submitters: Uncertain significance (3). Last evaluated 2025-12-21.

Conditions:
Congenital contractural arachnodactyly (CCA). Also called: BEALS SYNDROME; Beals-Hecht syndrome; Arthrogryposis, distal, type 9. Identifiers: Orphanet 115, MedGen C0220668, MONDO:0007363, OMIM 121050.
Familial thoracic aortic aneurysm and aortic dissection (TAAD). Also called: Thoracic aortic aneurysms and dissections. Identifiers: Orphanet 91387, MedGen C4707243, MONDO:0019625.

Allele frequency attached by ClinVar (database versions not stated): gnomAD 0.00001; gnomAD exomes 0.00001; TOPMed 0.00001.
gnomAD v4.1: 14 of 1,600,444 alleles (0.00087%); highest among the groups gnomAD compares: Non-Finnish European, 0.0011%; no homozygotes.

Submissions (3):

Ambry Genetics
Classification: Uncertain significance for Familial thoracic aortic aneurysm and aortic dissection. Last evaluated: 2025-12-21. Review status: criteria provided, single submitter. Criteria: Ambry Variant Classification Scheme 2023. Collection method: clinical testing. Allele origin: germline.
Comment: The p.C18S variant (also known as c.52T>A), located in coding exon 1 of the FBN2 gene, results from a T to A substitution at nucleotide position 52. The cysteine at codon 18 is replaced by serine, an amino acid with dissimilar properties. This amino acid position is conserved. In addition, the in silico prediction for this alteration is inconclusive. Based on the available evidence, the clinical significance of this variant remains unclear.

Labcorp Genetics (formerly Invitae), Labcorp
Classification: Uncertain significance for Congenital contractural arachnodactyly. Last evaluated: 2025-08-10. Review status: criteria provided, single submitter. Criteria: Invitae Variant Classification Sherloc (09022015). Collection method: clinical testing. Allele origin: germline.
Comment: This sequence change replaces cysteine, which is neutral and slightly polar, with serine, which is neutral and polar, at codon 18 of the FBN2 protein (p.Cys18Ser). This variant is not present in population databases (gnomAD no frequency). This variant has not been reported in the literature in individuals affected with FBN2-related conditions. ClinVar contains an entry for this variant (Variation ID: 1428510). Invitae Evidence Modeling of protein sequence and biophysical properties (such as structural, functional, and spatial information, amino acid conservation, physicochemical variation, residue mobility, and thermodynamic stability) indicates that this missense variant is not expected to disrupt FBN2 protein function with a negative predictive value of 95%. In summary, the available evidence is currently insufficient to determine the role of this variant in disease. Therefore, it has been classified as a Variant of Uncertain Significance.

GeneDx
Classification: Uncertain significance. Last evaluated: 2025-01-23. Review status: criteria provided, single submitter. Criteria: GeneDx Variant Classification Process June 2021. Collection method: clinical testing. Allele origin: germline. Affected: yes.
Comment: Has not been previously published as pathogenic or benign to our knowledge; Not observed at significant frequency in large population cohorts (gnomAD); In silico analysis indicates that this missense variant does not alter protein structure/function; Does not occur within a calcium-binding-EGF-like domain (PMID: 19006240, 18767143); This variant is associated with the following publications: (PMID: 19006240, 18767143)